The following is an entry in ClinVar:

NM_001063.4(TF):c.2012G>A (p.Gly671Glu)

Gene: TF (transferrin; plus strand). Cytogenetic location: 3q22.1.
Variant type: single nucleotide variant.
Coding change: c.2012G>A on transcript NM_001063.4 (MANE Select); coding-DNA position 2012, G replaced by A.
Protein change: p.Gly671Glu; replaces glycine 671 with glutamic acid.
Molecular consequence: missense variant.
Genome position (GRCh38, 1-based): chr3:133,777,188, G>A. VCF-style: chr3-133777188-G-A. GRCh37 (hg19) VCF-style: chr3-133496032-G-A.
Other names: G652E; c.1880G>A, p.Gly627Glu (NM_001354703.2); c.1631G>A, p.Gly544Glu (NM_001354704.2); short protein forms G671E, G627E, G544E.
Identifiers: ClinVar variation 12616 (VCV000012616.40), dbSNP rs121918677, ClinGen allele CA122561.

ClinVar aggregate classification (germline): Likely benign. Review status: criteria provided, multiple submitters, no conflicts (2 of 4 stars). 8 submissions from 8 submitters: Likely benign (6). 2 of the submissions do not count toward it. Last evaluated 2026-07-01.

Conditions:
TF-related disorder. Also called: TF-related condition.
Transferrin variant B2.
Atransferrinemia. Also called: Familial hypotransferrinemia. Identifiers: Orphanet 1195, MedGen C0521802, MONDO:0008846, OMIM 209300, HP:0012239.

Allele frequency attached by ClinVar (database versions not stated): gnomAD 0.00299 and 0.00289; 1000 Genomes Project 30x 0.00172; TOPMed 0.00275; 1000 Genomes Project 0.00180.
gnomAD v4.1: 6,220 of 1,614,010 alleles (0.39%); highest among the groups gnomAD compares: Non-Finnish European, 0.49%; 17 homozygotes.

Submissions (8):

CeGaT Center for Human Genetics Tuebingen
Classification: Likely benign. Last evaluated: 2026-07-01. Review status: criteria provided, single submitter. Criteria: CeGaT Center For Human Genetics Tuebingen Variant Classification Criteria Version 2. Collection method: clinical testing. Allele origin: germline. Affected: yes. Observed: 3 variant alleles.
Comment: TF: BS2

Labcorp Genetics (formerly Invitae), Labcorp
Classification: Likely benign. Last evaluated: 2026-01-31. Review status: criteria provided, single submitter. Criteria: Invitae Variant Classification Sherloc (09022015). Collection method: clinical testing. Allele origin: germline.

Blueprint Genetics
Classification: Likely benign. Last evaluated: 2024-11-22. Review status: criteria provided, single submitter. Criteria: ACMG Guidelines, 2015. Collection method: clinical testing. Allele origin: germline.

Mendelics
Classification: Likely benign for Atransferrinemia. Last evaluated: 2023-12-31. Review status: criteria provided, single submitter. Criteria: Mendelics Assertion Criteria 2019. Collection method: clinical testing. Allele origin: germline.

Women's Health and Genetics/Laboratory Corporation of America, LabCorp
Classification: Likely benign. Last evaluated: 2023-02-15. Review status: criteria provided, single submitter. Criteria: LabCorp Variant Classification Summary - May 2015. Collection method: clinical testing. Allele origin: germline.
Comment: Variant summary: TF c.2012G>A (p.Gly671Glu) results in a non-conservative amino acid change located in the Transferrin-like domain of the encoded protein sequence. Four of four in-silico tools predict a damaging effect of the variant on protein function. The variant allele was found at a frequency of 0.0025 in 251236 control chromosomes. The observed variant frequency is approximately 2.24 fold of the estimated maximal expected allele frequency for a pathogenic variant in TF causing Atransferrinemia phenotype (0.0011), strongly suggesting that the variant is benign. c.2012G>A has been reported in the literature, without strong evidence for causality. These reports do not provide unequivocal conclusions about association of the variant with Atransferrinemia. To our knowledge, no experimental evidence demonstrating an impact on protein function has been reported. Three clinical diagnostic laboratories have submitted clinical-significance assessments for this variant to ClinVar after 2014 without evidence for independent evaluation. Two submitters classified the variant as likely benign while one classified as pathogneic. Based on the evidence outlined above, the variant was classified as likely benign.

Illumina Laboratory Services, Illumina
Classification: Likely benign for Atransferrinemia. Last evaluated: 2018-01-13. Review status: criteria provided, single submitter. Criteria: ICSL Variant Classification Criteria 13 December 2019. Collection method: clinical testing. Allele origin: germline.
Comment: This variant was observed in the ICSL laboratory as part of a predisposition screen in an ostensibly healthy population. It had not been previously curated by ICSL or reported in the Human Gene Mutation Database (HGMD: prior to June 1st, 2018), and was therefore a candidate for classification through an automated scoring system. Utilizing variant allele frequency, disease prevalence and penetrance estimates, and inheritance mode, an automated score was calculated to assess if this variant is too frequent to cause the disease. Based on the score and internal cut-off values, a variant classified as likely benign is not then subjected to further curation. The score for this variant resulted in a classification of likely benign for this disease.

PreventionGenetics, part of Exact Sciences
Classification: Likely benign for TF-related condition. Last evaluated: 2024-01-26. Review status: no assertion criteria provided. Collection method: clinical testing. Allele origin: germline. Not counted in ClinVar's aggregate classification.
Comment: This variant is classified as likely benign based on ACMG/AMP sequence variant interpretation guidelines (Richards et al. 2015 PMID: 25741868, with internal and published modifications).

OMIM
Classification: Pathogenic for TRANSFERRIN VARIANT B2. Last evaluated: 1984-05-01. Review status: flagged submission. Collection method: literature only. Allele origin: germline. Not counted in ClinVar's aggregate classification.
ClinVar note: Reason: Outlier claim with insufficient supporting evidence

Literature cited by the submitters: PubMed 11703331 (cited by Women's Health and Genetics/Laboratory Corporation of America, LabCorp); PubMed 34828384 (cited by Women's Health and Genetics/Laboratory Corporation of America, LabCorp); PubMed 25773295 (cited by Women's Health and Genetics/Laboratory Corporation of America, LabCorp); PubMed 6585826 (cited by OMIM); PubMed 17809412 (cited by OMIM).